The following is an entry in ClinVar:

NM_003412.4(ZIC1):c.891G>A (p.Thr297=)

Gene: ZIC1 (Zic family zinc finger 1; plus strand). Cytogenetic location: 3q24.
Variant type: single nucleotide variant.
Coding change: c.891G>A on transcript NM_003412.4 (MANE Select); coding-DNA position 891, G replaced by A.
Protein change: p.Thr297=; no amino-acid change (threonine 297 retained).
Molecular consequence: synonymous variant.
Genome position (GRCh38, 1-based): chr3:147,411,003, G>A. VCF-style: chr3-147411003-G-A. GRCh37 (hg19) VCF-style: chr3-147128790-G-A.
Other names: c.891G>A (NM_003412.3).
Identifiers: ClinVar variation 2085252 (VCV002085252.6), dbSNP rs768803366, ClinGen allele CA2657140.

ClinVar aggregate classification (germline): Benign. Review status: criteria provided, single submitter (1 of 4 stars). 2 submissions from 2 submitters: Benign (1). 1 of the submissions does not count toward it. Last evaluated 2025-03-17.

Conditions:
ZIC1-related disorder. Also called: ZIC1-related condition.

Allele frequency attached by ClinVar (database versions not stated): ExAC 0.00003; gnomAD 0.00004; TOPMed 0.00008.
gnomAD v4.1: 90 of 1,614,148 alleles (0.0056%); highest among the groups gnomAD compares: Middle Eastern, 0.15%; no homozygotes.

Submissions (2):

Labcorp Genetics (formerly Invitae), Labcorp
Classification: Benign. Last evaluated: 2025-03-17. Review status: criteria provided, single submitter. Criteria: Invitae Variant Classification Sherloc (09022015). Collection method: clinical testing. Allele origin: germline.

PreventionGenetics, part of Exact Sciences
Classification: Likely benign for ZIC1-related condition. Last evaluated: 2019-02-21. Review status: no assertion criteria provided. Collection method: clinical testing. Allele origin: germline. Not counted in ClinVar's aggregate classification.
Comment: This variant is classified as likely benign based on ACMG/AMP sequence variant interpretation guidelines (Richards et al. 2015 PMID: 25741868, with internal and published modifications).